The following is an entry in ClinVar:

NM_000077.5(CDKN2A):c.458-64C>A

Gene: CDKN2A (cyclin dependent kinase inhibitor 2A; minus strand). Cytogenetic location: 9p21.3.
Variant type: single nucleotide variant.
Coding change: c.458-64C>A on transcript NM_000077.5 (MANE Select); 64 bases into the intron before coding-DNA position 458, C replaced by A.
Molecular consequence: intron variant.
Genome position (GRCh38, 1-based): chr9:21,968,306, G>T on the plus strand (C>A on the coding strand, the complement: CDKN2A is on the minus strand). VCF-style: chr9-21968306-G-T. GRCh37 (hg19) VCF-style: chr9-21968305-G-T.
Other names: c.305-64C>A (NM_001363763.2); c.*102-64C>A (NM_058195.4); c.*151-64C>A (NM_001195132.2); c.*381-64C>A (NM_058197.5).
Identifiers: ClinVar variation 4294131 (VCV004294131.1).

ClinVar aggregate classification (germline): Benign (1 of 4 stars; one submission).

Conditions:
Melanoma-pancreatic cancer syndrome. Identifiers: Orphanet 404560, MedGen C1838547, MONDO:0011713, OMIM 606719. Disease mechanism: loss of function.

Submission:

Myriad Genetics, Inc.
Classification: Benign for Melanoma-pancreatic cancer syndrome. Last evaluated: 2025-08-18. Review status: criteria provided, single submitter. Criteria: Myriad Autosomal Dominant, Autosomal Recessive and X-Linked Classification Criteria (2023). Collection method: clinical testing. Allele origin: unknown.
Comment: This variant is considered benign. This variant is intronic and is not expected to impact mRNA splicing.